The following is an entry in ClinVar:

NM_005089.4(ZRSR2):c.1303_1304delinsAT (p.Arg435Met)

Gene: ZRSR2 (zinc finger CCCH-type, RNA binding motif and serine/arginine rich 2; plus strand). Cytogenetic location: Xp22.2.
Variant type: Indel.
Coding change: c.1303_1304delinsAT on transcript NM_005089.4 (MANE Select); coding-DNA positions 1303 to 1304, CG replaced by AT.
Protein change: p.Arg435Met; replaces arginine 435 with methionine.
Molecular consequence: missense variant.
Genome position (GRCh38, 1-based): chrX:15,823,096-15,823,097, CG replaced by AT. VCF-style: chrX-15823096-CG-AT. GRCh37 (hg19) VCF-style: chrX-15841219-CG-AT.
Other names: short protein forms R435M.
Identifiers: ClinVar variation 135494 (VCV000135494.1), dbSNP rs587778765, ClinGen allele CA162941.

ClinVar aggregate classification (germline): not provided (0 of 4 stars; one submission).

Submission:

ITMI
No classification provided. Condition: AllHighlyPenetrant. Last evaluated: 2013-09-19. Review status: no classification provided. Collection method: reference population. Allele origin: germline.
Comment: Please see associated publication for description of ethnicities

Literature cited by the submitters: PubMed 24728327.